The following is an entry in ClinVar:

NM_001276270.2(MBD4):c.953G>C (p.Ser318Thr)

Gene: MBD4 (methyl-CpG binding domain 4, DNA glycosylase; minus strand). Cytogenetic location: 3q21.3.
Variant type: single nucleotide variant.
Coding change: c.953G>C on transcript NM_001276270.2 (MANE Select); coding-DNA position 953, G replaced by C.
Protein change: p.Ser318Thr; replaces serine 318 with threonine.
Molecular consequence: missense variant. On other transcripts: intron variant (1).
Genome position (GRCh38, 1-based): chr3:129,436,691, C>G on the plus strand (G>C on the coding strand, the complement: MBD4 is on the minus strand). VCF-style: chr3-129436691-C-G. GRCh37 (hg19) VCF-style: chr3-129155534-C-G.
Other names: c.953G>C, p.Ser318Thr (NM_001276271.2, NM_001276272.2, NM_003925.3); c.247+1117G>C (NM_001276273.2); short protein forms S318T.
Identifiers: ClinVar variation 2130413 (VCV002130413.5), dbSNP rs1047969768, ClinGen allele CA354466884.

ClinVar aggregate classification (germline): Uncertain significance. Review status: criteria provided, multiple submitters, no conflicts (2 of 4 stars). 2 submissions from 2 submitters: Uncertain significance (2). Last evaluated 2026-01-06.

Conditions:
Inborn genetic diseases. Identifiers: MedGen C0950123, MeSH D030342.

Allele frequency attached by ClinVar (database versions not stated): TOPMed below 0.00001.

Submissions (2):

Labcorp Genetics (formerly Invitae), Labcorp
Classification: Uncertain significance. Last evaluated: 2026-01-06. Review status: criteria provided, single submitter. Criteria: Invitae Variant Classification Sherloc (09022015). Collection method: clinical testing. Allele origin: germline.
Comment: This sequence change replaces serine, which is neutral and polar, with threonine, which is neutral and polar, at codon 318 of the MBD4 protein (p.Ser318Thr). This variant is not present in population databases (gnomAD no frequency). This variant has not been reported in the literature in individuals affected with MBD4-related conditions. ClinVar contains an entry for this variant (Variation ID: 2130413). An algorithm developed to predict the effect of missense changes on protein structure and function outputs the following: PolyPhen-2: "Benign". The threonine amino acid residue is found in multiple mammalian species, which suggests that this missense change does not adversely affect protein function. In summary, the available evidence is currently insufficient to determine the role of this variant in disease. Therefore, it has been classified as a Variant of Uncertain Significance.

Ambry Genetics
Classification: Uncertain significance for Inborn genetic diseases. Last evaluated: 2024-12-29. Review status: criteria provided, single submitter. Criteria: Ambry Variant Classification Scheme 2023. Collection method: clinical testing. Allele origin: germline.
Comment: The p.S318T variant (also known as c.953G>C), located in coding exon 3 of the MBD4 gene, results from a G to C substitution at nucleotide position 953. The serine at codon 318 is replaced by threonine, an amino acid with similar properties. This amino acid position is conserved. In addition, this alteration is predicted to be tolerated by in silico analysis. Based on the available evidence, the clinical significance of this variant remains unclear.